The following is an entry in ClinVar:

NM_016111.4(TELO2):c.1002+5G>A

Gene: TELO2 (telomere maintenance 2; plus strand). Cytogenetic location: 16p13.3.
Variant type: single nucleotide variant.
Coding change: c.1002+5G>A on transcript NM_016111.4 (MANE Select); 5 bases into the intron after coding-DNA position 1002, G replaced by A.
Molecular consequence: intron variant.
Genome position (GRCh38, 1-based): chr16:1,500,169, G>A. VCF-style: chr16-1500169-G-A. GRCh37 (hg19) VCF-style: chr16-1550170-G-A.
Other names: c.1002+5G>A (NM_001351846.2).
Identifiers: ClinVar variation 507720 (VCV000507720.1), dbSNP rs369447841, ClinGen allele CA7811885.

ClinVar aggregate classification (germline): Likely benign (1 of 4 stars; one submission).

Allele frequency attached by ClinVar (database versions not stated): gnomAD 0.00003 and 0.00002; TOPMed 0.00005; ESP Exome Variant Server 0.00015; 1000 Genomes Project 30x 0.00031; 1000 Genomes Project 0.00040.
gnomAD v4.1: 37 of 1,600,454 alleles (0.0023%); highest among the groups gnomAD compares: African/African-American, 0.008%; no homozygotes.

Submission:

GeneDx
Classification: Likely benign. Last evaluated: 2017-03-01. Review status: criteria provided, single submitter. Criteria: GeneDx Variant Classification (06012015). Collection method: clinical testing. Allele origin: germline. Affected: yes.
Comment: This variant is considered likely benign or benign based on one or more of the following criteria: it is a conservative change, it occurs at a poorly conserved position in the protein, it is predicted to be benign by multiple in silico algorithms, and/or has population frequency not consistent with disease.